The following is an entry in ClinVar:

ClinVar aggregate classification (germline): Conflicting classifications of pathogenicity. Review status: criteria provided, conflicting classifications (1 of 4 stars). 4 submissions from 4 submitters: Uncertain significance (3); Likely benign (1). Last evaluated 2025-09-03.

Conditions:
Gastrointestinal stromal tumor. Also called: Gastrointestinal stromal tumor, somatic; Gastrointestinal stroma tumor. Identifiers: Orphanet 44890, MedGen C0238198, MeSH D046152, MONDO:0011719, OMIM 606764, HP:0100723.
Malignant tumor of testis. Also called: Testicular cancer. Identifiers: MedGen C0153594, MONDO:0005447.
Mastocytosis. Also called: Mast Cell Disease. Identifiers: Orphanet 98292, MedGen C0024899, MONDO:0007950, HP:0100495.
Piebaldism. Also called: Piebald skin depigmentation. Identifiers: Orphanet 2884, MedGen C0080024, MONDO:0008244, OMIM 172800, HP:0007544.
Acute myeloid leukemia (AML). Also called: Leukemia, acute myeloid, somatic; Leukemia, acute myelogenous, somatic; Acute myeloid leukemia, adult; AML adult; Acute non-lymphocytic leukemia; Acute granulocytic leukemia. Identifiers: Orphanet 519, MedGen C0023467, MeSH D015470, MONDO:0018874, OMIM 601626, HP:0004808. Disease mechanism: Constitutively activated FLT3.
Hereditary cancer-predisposing syndrome. Also called: Neoplastic Syndromes, Hereditary; Hereditary neoplastic syndrome; Hereditary Cancer Syndrome; Tumor predisposition. Identifiers: Orphanet 140162, MedGen C0027672, MeSH D009386, MONDO:0015356.

Allele frequency attached by ClinVar (database versions not stated): gnomAD exomes below 0.00001 and 0.00001; gnomAD 0.00001.
gnomAD v4.1: 18 of 1,614,216 alleles (0.0011%); highest among the groups gnomAD compares: Non-Finnish European, 0.0015%; no homozygotes.

Submissions (4):

Labcorp Genetics (formerly Invitae), Labcorp
Classification: Uncertain significance for Gastrointestinal stromal tumor. Last evaluated: 2025-09-03. Review status: criteria provided, single submitter. Criteria: Invitae Variant Classification Sherloc (09022015). Collection method: clinical testing. Allele origin: germline.
Comment: This sequence change replaces histidine, which is basic and polar, with arginine, which is basic and polar, at codon 101 of the KIT protein (p.His101Arg). This variant is present in population databases (no rsID available, gnomAD 0.0009%). This variant has not been reported in the literature in individuals affected with KIT-related conditions. ClinVar contains an entry for this variant (Variation ID: 458940). An algorithm developed to predict the effect of missense changes on protein structure and function (PolyPhen-2) suggests that this variant is likely to be tolerated. In summary, the available evidence is currently insufficient to determine the role of this variant in disease. Therefore, it has been classified as a Variant of Uncertain Significance.

Ambry Genetics
Classification: Likely benign for Hereditary cancer-predisposing syndrome. Last evaluated: 2024-03-26. Review status: criteria provided, single submitter. Criteria: Ambry Variant Classification Scheme 2023. Collection method: clinical testing. Allele origin: germline.

GeneDx
Classification: Uncertain significance. Last evaluated: 2023-06-04. Review status: criteria provided, single submitter. Criteria: GeneDx Variant Classification Process June 2021. Collection method: clinical testing. Allele origin: germline. Affected: yes.
Comment: Not observed at significant frequency in large population cohorts (gnomAD); In silico analysis supports that this missense variant does not alter protein structure/function; Has not been previously published as pathogenic or benign to our knowledge

Fulgent Genetics
Classification: Uncertain significance for Cutaneous mastocytosis; Piebaldism; Germ cell tumor of testis; Acute myeloid leukemia; Gastrointestinal stromal tumor. Last evaluated: 2018-10-31. Review status: criteria provided, single submitter. Criteria: ACMG Guidelines, 2015. Collection method: clinical testing. Allele origin: unknown.

NM_000222.3(KIT):c.302A>G (p.His101Arg)

Gene: KIT (KIT proto-oncogene, receptor tyrosine kinase; plus strand). Cytogenetic location: 4q12.
Variant type: single nucleotide variant.
Coding change: c.302A>G on transcript NM_000222.3 (MANE Select); coding-DNA position 302, A replaced by G.
Protein change: p.His101Arg; replaces histidine 101 with arginine.
Molecular consequence: missense variant.
Genome position (GRCh38, 1-based): chr4:54,695,746, A>G. VCF-style: chr4-54695746-A-G. GRCh37 (hg19) VCF-style: chr4-55561912-A-G.
Other names: c.302A>G, p.His101Arg (NM_001093772.2, NM_001385284.1, NM_001385285.1 and 4 more transcripts); short protein forms H101R.
Identifiers: ClinVar variation 458940 (VCV000458940.16), dbSNP rs1274601103, ClinGen allele CA356897283.
Genomic context (GRCh38, chr4:54,695,746, plus strand): 5'-AATGGATCACGGAAAAGGCAGAAGCCACCAACACCGGCAAATACACGTGCACCAACAAAC[A>G]CGGCTTAAGCAATTCCATTTATGTGTTTGTTAGAGGTAAATGCTTGGCTTTCTGCAGTGC-3'
Protein context (NP_000213.1, residues 91-111): NTGKYTCTNK[His101Arg]GLSNSIYVFV